The following is an entry in ClinVar:

ClinVar aggregate classification (germline): Conflicting classifications of pathogenicity. Review status: criteria provided, conflicting classifications (1 of 4 stars). 2 submissions from 2 submitters: Uncertain significance (1); Likely benign (1). Last evaluated 2023-03-23.

Conditions:
Hereditary cancer-predisposing syndrome. Also called: Hereditary neoplastic syndrome; Neoplastic Syndromes, Hereditary; Hereditary Cancer Syndrome; Tumor predisposition. Identifiers: Orphanet 140162, MedGen C0027672, MeSH D009386, MONDO:0015356.
Hereditary breast ovarian cancer syndrome. Also called: BRCA1- and BRCA2-Associated Hereditary Breast and Ovarian Cancer; Hereditary breast and ovarian cancer syndrome (HBOC); Hereditary breast and/or ovarian cancer syndrome; Hereditary breast and ovarian cancer syndrome; Hereditary breast and ovarian cancer; Breast and ovarian cancer. Identifiers: Orphanet 145, MedGen C0677776, MeSH D061325, MONDO:0003582. Disease mechanism: loss of function.

Allele frequency attached by ClinVar (database versions not stated): gnomAD exomes below 0.00001.
gnomAD v4.1: 1 of 1,613,956 alleles (0.000062%); no homozygotes.

Submissions (2):

University of Washington Department of Laboratory Medicine, University of Washington
Classification: Likely benign for Hereditary cancer-predisposing syndrome. Last evaluated: 2023-03-23. Review status: criteria provided, single submitter. Criteria: Dines et al. (Genet Med. 2020). Collection method: curation. Allele origin: germline.
Comment: Missense variant in a coldspot region where missense variants are very unlikely to be pathogenic (PMID:31911673).

BRCA2 exon 11 coldspot. Reclassification based on statistical prior probability.

Labcorp Genetics (formerly Invitae), Labcorp
Classification: Uncertain significance for Hereditary breast ovarian cancer syndrome. Last evaluated: 2022-10-08. Review status: criteria provided, single submitter. Criteria: Invitae Variant Classification Sherloc (09022015). Collection method: clinical testing. Allele origin: germline.
Comment: In summary, the available evidence is currently insufficient to determine the role of this variant in disease. Therefore, it has been classified as a Variant of Uncertain Significance. Advanced modeling of protein sequence and biophysical properties (such as structural, functional, and spatial information, amino acid conservation, physicochemical variation, residue mobility, and thermodynamic stability) performed at Invitae indicates that this missense variant is not expected to disrupt BRCA2 protein function. This variant has not been reported in the literature in individuals affected with BRCA2-related conditions. This variant is present in population databases (no rsID available, gnomAD 0.01%). This sequence change replaces glutamine, which is neutral and polar, with proline, which is neutral and non-polar, at codon 2009 of the BRCA2 protein (p.Gln2009Pro).

NM_000059.4(BRCA2):c.6026A>C (p.Gln2009Pro)

Gene: BRCA2 (BRCA2 DNA repair associated; plus strand). Cytogenetic location: 13q13.1.
Variant type: single nucleotide variant.
Coding change: c.6026A>C on transcript NM_000059.4 (MANE Select); coding-DNA position 6026, A replaced by C.
Protein change: p.Gln2009Pro; replaces glutamine 2009 with proline.
Molecular consequence: missense variant.
Genome position (GRCh38, 1-based): chr13:32,340,381, A>C. VCF-style: chr13-32340381-A-C. GRCh37 (hg19) VCF-style: chr13-32914518-A-C.
Other names: c.6026A>C, p.Gln2009Pro (NM_001406719.1, NM_001406720.1); short protein forms Q2009P.
Identifiers: ClinVar variation 1721274 (VCV001721274.7), dbSNP rs1285547765, ClinGen allele CA387787771.